The following is an entry in ClinVar:

ClinVar aggregate classification (germline): Uncertain significance (1 of 4 stars; one submission).

Conditions:
Peroxisome biogenesis disorder 7A (Zellweger). Also called: Peroxisome biogenesis disorder 7A. Identifiers: Orphanet 912, MedGen C3888385, MONDO:0013938, OMIM 614872.
Peroxisome biogenesis disorder 7B (PBD7B). Identifiers: Orphanet 44, MedGen C3553951, MONDO:0013939, OMIM 614873.

Allele frequency attached by ClinVar (database versions not stated): gnomAD exomes below 0.00001 and 0.00001; TOPMed below 0.00001; ExAC 0.00001; gnomAD 0.00001; ESP Exome Variant Server 0.00008.
gnomAD v4.1: 7 of 1,613,952 alleles (0.00043%); highest among the groups gnomAD compares: Non-Finnish European, 0.00059%; no homozygotes.

Submission:

Labcorp Genetics (formerly Invitae), Labcorp
Classification: Uncertain significance for Peroxisome biogenesis disorder 7A (Zellweger); Peroxisome biogenesis disorder 7B. Last evaluated: 2024-06-23. Review status: criteria provided, single submitter. Criteria: Invitae Variant Classification Sherloc (09022015). Collection method: clinical testing. Allele origin: germline.
Comment: This sequence change replaces valine, which is neutral and non-polar, with isoleucine, which is neutral and non-polar, at codon 225 of the PEX26 protein (p.Val225Ile). This variant is present in population databases (rs368290011, gnomAD 0.002%). This variant has not been reported in the literature in individuals affected with PEX26-related conditions. ClinVar contains an entry for this variant (Variation ID: 1513285). Advanced modeling of protein sequence and biophysical properties (such as structural, functional, and spatial information, amino acid conservation, physicochemical variation, residue mobility, and thermodynamic stability) performed at Invitae indicates that this missense variant is not expected to disrupt PEX26 protein function with a negative predictive value of 80%. In summary, the available evidence is currently insufficient to determine the role of this variant in disease. Therefore, it has been classified as a Variant of Uncertain Significance.

NM_001127649.3(PEX26):c.673G>A (p.Val225Ile)

Gene: PEX26 (peroxisomal biogenesis factor 26; plus strand). Cytogenetic location: 22q11.21.
Variant type: single nucleotide variant.
Coding change: c.673G>A on transcript NM_001127649.3 (MANE Select); coding-DNA position 673, G replaced by A.
Protein change: p.Val225Ile; replaces valine 225 with isoleucine.
Molecular consequence: missense variant. On other transcripts: intron variant (1).
Genome position (GRCh38, 1-based): chr22:18,085,117, G>A. VCF-style: chr22-18085117-G-A. GRCh37 (hg19) VCF-style: chr22-18567883-G-A.
Other names: c.673G>A, p.Val225Ile (NM_017929.6); c.667+1385G>A (NM_001199319.2); short protein forms V225I.
Identifiers: ClinVar variation 1513285 (VCV001513285.4), dbSNP rs368290011, ClinGen allele CA10093392.
Genomic context (GRCh38, chr22:18,085,117, plus strand): 5'-CAGGGAAGCTGATTCCCATGACATCCCTGAAGCTGTGCTCTGTCTCCCTGGCCAGGCTCT[G>A]TCTCCCACAAGTTCCTGTCACTACCGATGTTGGTTCGCCAGCTTTGGGACTCTGCGGTGA-3'
Protein context (NP_001121121.1, residues 215-235): EAQKPNLEGS[Val225Ile]SHKFLSLPML